The following is an entry in ClinVar:

NM_133497.4(KCNV2):c.1384_1386del (p.Asp462del)

Gene: KCNV2 (potassium voltage-gated channel modifier subfamily V member 2; plus strand). Cytogenetic location: 9p24.2.
Variant type: Deletion.
Coding change: c.1384_1386del on transcript NM_133497.4 (MANE Select); coding-DNA positions 1384 to 1386, 3 bases deleted (GAC; older notation c.1384_1386delGAC).
Protein change: p.Asp462del; deletes aspartic acid 462.
Molecular consequence: inframe deletion.
Genome position (GRCh38, 1-based): chr9:2,729,473-2,729,475, GAC deleted. VCF-style (leftmost placement, unchanged base first): chr9-2729472-AGAC-A. GRCh37 (hg19) VCF-style: chr9-2729472-AGAC-A.
Other names: short protein forms D462del.
Identifiers: ClinVar variation 867088 (VCV000867088.7), dbSNP rs1414078352, ClinGen allele CA586168551.

ClinVar aggregate classification (germline): Uncertain significance. Review status: criteria provided, multiple submitters, no conflicts (2 of 4 stars). 2 submissions from 2 submitters: Uncertain significance (2). Last evaluated 2024-09-30.

Allele frequency attached by ClinVar (database versions not stated): gnomAD exomes below 0.00001; TOPMed 0.00001; gnomAD 0.00003.

Submissions (2):

Labcorp Genetics (formerly Invitae), Labcorp
Classification: Uncertain significance. Last evaluated: 2024-09-30. Review status: criteria provided, single submitter. Criteria: Invitae Variant Classification Sherloc (09022015). Collection method: clinical testing. Allele origin: germline.
Comment: This variant, c.1384_1386del, results in the deletion of 1 amino acid(s) of the KCNV2 protein (p.Asp462del), but otherwise preserves the integrity of the reading frame. This variant is present in population databases (no rsID available, gnomAD 0.007%). This variant has not been reported in the literature in individuals affected with KCNV2-related conditions. ClinVar contains an entry for this variant (Variation ID: 867088). Experimental studies and prediction algorithms are not available or were not evaluated, and the functional significance of this variant is currently unknown. In summary, the available evidence is currently insufficient to determine the role of this variant in disease. Therefore, it has been classified as a Variant of Uncertain Significance.

Blueprint Genetics
Classification: Uncertain significance. Last evaluated: 2019-02-07. Review status: criteria provided, single submitter. Criteria: ACMG Guidelines, 2015. Collection method: clinical testing. Allele origin: germline.